The following is an entry in ClinVar:

NM_002334.4(LRP4):c.4274G>A (p.Arg1425Gln)

Genes: LRP4 (LDL receptor related protein 4; minus strand), LRP4-AS1 (LRP4 antisense RNA 1; plus strand). Cytogenetic location: 11p11.2.
Variant type: single nucleotide variant.
Coding change: c.4274G>A on transcript NM_002334.4 (MANE Select); coding-DNA position 4274, G replaced by A.
Protein change: p.Arg1425Gln; replaces arginine 1425 with glutamine.
Molecular consequence: missense variant. On other transcripts: non-coding transcript variant (1).
Genome position (GRCh38, 1-based): chr11:46,873,549, C>T on the plus strand (G>A on the coding strand, the complement: LRP4 is on the minus strand). VCF-style: chr11-46873549-C-T. GRCh37 (hg19) VCF-style: chr11-46895100-C-T.
Other names: short protein forms R1425Q.
Identifiers: ClinVar variation 304862 (VCV000304862.14), dbSNP rs143444937, ClinGen allele CA5969365.

ClinVar aggregate classification (germline): Uncertain significance. Review status: criteria provided, multiple submitters, no conflicts (2 of 4 stars). 5 submissions from 5 submitters: Uncertain significance (5). Last evaluated 2024-10-11.

Conditions:
Inborn genetic diseases. Identifiers: MedGen C0950123, MeSH D030342.
Cenani-Lenz syndactyly syndrome. Also called: CENANI SYNDACTYLISM; SYNDACTYLY, TYPE VII. Identifiers: Orphanet 3258, MedGen C1859309, MONDO:0008931, OMIM 212780.
Sclerosteosis 2 (SOST2). Identifiers: Orphanet 3152, MedGen C3280402, MONDO:0013679, OMIM 614305.
Congenital myasthenic syndrome 17. Identifiers: Orphanet 590, MedGen C4225377, MONDO:0014578, OMIM 616304.

Allele frequency attached by ClinVar (database versions not stated): TOPMed 0.00013; ESP Exome Variant Server 0.00038; ExAC 0.00018; gnomAD exomes 0.00009 and 0.00015; gnomAD 0.00011.
gnomAD v4.1: 151 of 1,613,896 alleles (0.0094%); highest among the groups gnomAD compares: East Asian, 0.031%; no homozygotes.

Submissions (5):

GeneDx
Classification: Uncertain significance. Last evaluated: 2024-10-11. Review status: criteria provided, single submitter. Criteria: GeneDx Variant Classification Process June 2021. Collection method: clinical testing. Allele origin: germline. Affected: yes.
Comment: In silico analysis indicates that this missense variant does not alter protein structure/function; Has not been previously published as pathogenic or benign to our knowledge

Labcorp Genetics (formerly Invitae), Labcorp
Classification: Uncertain significance for Cenani-Lenz syndactyly syndrome; Sclerosteosis 2; Congenital myasthenic syndrome 17. Last evaluated: 2024-01-08. Review status: criteria provided, single submitter. Criteria: Invitae Variant Classification Sherloc (09022015). Collection method: clinical testing. Allele origin: germline.
Comment: This sequence change replaces arginine, which is basic and polar, with glutamine, which is neutral and polar, at codon 1425 of the LRP4 protein (p.Arg1425Gln). This variant is present in population databases (rs143444937, gnomAD 0.06%). This variant has not been reported in the literature in individuals affected with LRP4-related conditions. ClinVar contains an entry for this variant (Variation ID: 304862). Algorithms developed to predict the effect of missense changes on protein structure and function output the following: SIFT: "Not Available"; PolyPhen-2: "Benign"; Align-GVGD: "Not Available". The glutamine amino acid residue is found in multiple mammalian species, which suggests that this missense change does not adversely affect protein function. In summary, the available evidence is currently insufficient to determine the role of this variant in disease. Therefore, it has been classified as a Variant of Uncertain Significance.

Fulgent Genetics
Classification: Uncertain significance for Cenani-Lenz syndactyly syndrome; Sclerosteosis 2; Congenital myasthenic syndrome 17. Last evaluated: 2022-03-14. Review status: criteria provided, single submitter. Criteria: ACMG Guidelines, 2015. Collection method: clinical testing. Allele origin: unknown.

Ambry Genetics
Classification: Uncertain significance for Inborn genetic diseases. Last evaluated: 2021-08-30. Review status: criteria provided, single submitter. Criteria: Ambry Variant Classification Scheme 2023. Collection method: clinical testing. Allele origin: germline.

Illumina Laboratory Services, Illumina
Classification: Uncertain significance for Cenani-Lenz syndactyly syndrome. Last evaluated: 2018-01-13. Review status: criteria provided, single submitter. Criteria: ICSL Variant Classification Criteria 13 December 2019. Collection method: clinical testing. Allele origin: germline.